The following is an entry in ClinVar:

NM_138713.4(NFAT5):c.2678C>A (p.Thr893Lys)

Gene: NFAT5 (nuclear factor of activated T cells 5; plus strand). Cytogenetic location: 16q22.1.
Variant type: single nucleotide variant.
Coding change: c.2678C>A on transcript NM_138713.4 (MANE Select); coding-DNA position 2678, C replaced by A.
Protein change: p.Thr893Lys; replaces threonine 893 with lysine.
Molecular consequence: missense variant.
Genome position (GRCh38, 1-based): chr16:69,692,503, C>A. VCF-style: chr16-69692503-C-A. GRCh37 (hg19) VCF-style: chr16-69726406-C-A.
Other names: c.2678C>A, p.Thr893Lys (LRG_1332t1); c.2675C>A, p.Thr892Lys (NM_001113178.3); c.2003C>A, p.Thr668Lys (NM_001367709.1); c.2624C>A, p.Thr875Lys (NM_006599.4); c.2396C>A, p.Thr799Lys (NM_138714.4, NM_173214.3, NM_173215.3); short protein forms T799K, T893K, T668K, T892K, T875K.
Identifiers: ClinVar variation 577688 (VCV000577688.8), dbSNP rs149255851, ClinGen allele CA8135784.

ClinVar aggregate classification (germline): Uncertain significance (1 of 4 stars; one submission).

Conditions:
Immunodeficiency. Identifiers: MedGen C0021051, MONDO:0021094, HP:0002721.

Allele frequency attached by ClinVar (database versions not stated): ExAC 0.00001; TOPMed 0.00003; gnomAD 0.00006; ESP Exome Variant Server 0.00015.
gnomAD v4.1: 119 of 1,614,026 alleles (0.0074%); highest among the groups gnomAD compares: Non-Finnish European, 0.01%; no homozygotes.

Submission:

Labcorp Genetics (formerly Invitae), Labcorp
Classification: Uncertain significance for Immunodeficiency. Last evaluated: 2025-03-19. Review status: criteria provided, single submitter. Criteria: Invitae Variant Classification Sherloc (09022015). Collection method: clinical testing. Allele origin: germline.
Comment: This sequence change replaces threonine, which is neutral and polar, with lysine, which is basic and polar, at codon 799 of the NFAT5 protein (p.Thr799Lys). This variant is present in population databases (rs149255851, gnomAD 0.004%). This variant has not been reported in the literature in individuals affected with NFAT5-related conditions. ClinVar contains an entry for this variant (Variation ID: 577688). An algorithm developed to predict the effect of missense changes on protein structure and function (PolyPhen-2) suggests that this variant is likely to be tolerated. In summary, the available evidence is currently insufficient to determine the role of this variant in disease. Therefore, it has been classified as a Variant of Uncertain Significance.